The following is an entry in ClinVar:

ClinVar aggregate classification (germline): Uncertain significance. Review status: criteria provided, multiple submitters, no conflicts (2 of 4 stars). 2 submissions from 2 submitters: Uncertain significance (2). Last evaluated 2025-10-10.

Conditions:
KMT2D-related disorder. Also called: KMT2D-Related Disorders.
Kabuki syndrome. Also called: Kabuki make-up syndrome; NIIKAWA-KUROKI SYNDROME. Identifiers: Orphanet 2322, MedGen C0796004, MONDO:0016512.

Submissions (2):

PreventionGenetics, part of Exact Sciences
Classification: Uncertain significance for KMT2D-related condition. Last evaluated: 2025-10-10. Review status: criteria provided, single submitter. Criteria: ACMG Guidelines, 2015. Collection method: clinical testing. Allele origin: germline.
Comment: The KMT2D c.8497A>G variant is predicted to result in the amino acid substitution p.Met2833Val. To our knowledge, this variant has not been reported in the literature or in a large population database (gnomAD), indicating this variant is rare. At this time, the clinical significance of this variant is uncertain due to the absence of conclusive functional and genetic evidence.

Labcorp Genetics (formerly Invitae), Labcorp
Classification: Uncertain significance for Kabuki syndrome. Last evaluated: 2024-12-17. Review status: criteria provided, single submitter. Criteria: Invitae Variant Classification Sherloc (09022015). Collection method: clinical testing. Allele origin: germline.
Comment: This sequence change replaces methionine, which is neutral and non-polar, with valine, which is neutral and non-polar, at codon 2833 of the KMT2D protein (p.Met2833Val). This variant is not present in population databases (gnomAD no frequency). This variant has not been reported in the literature in individuals affected with KMT2D-related conditions. Invitae Evidence Modeling of protein sequence and biophysical properties (such as structural, functional, and spatial information, amino acid conservation, physicochemical variation, residue mobility, and thermodynamic stability) indicates that this missense variant is not expected to disrupt KMT2D protein function with a negative predictive value of 95%. In summary, the available evidence is currently insufficient to determine the role of this variant in disease. Therefore, it has been classified as a Variant of Uncertain Significance.

NM_003482.4(KMT2D):c.8497A>G (p.Met2833Val)

Gene: KMT2D (lysine methyltransferase 2D; minus strand). Cytogenetic location: 12q13.12.
Variant type: single nucleotide variant.
Coding change: c.8497A>G on transcript NM_003482.4 (MANE Select); coding-DNA position 8497, A replaced by G.
Protein change: p.Met2833Val; replaces methionine 2833 with valine.
Molecular consequence: missense variant.
Genome position (GRCh38, 1-based): chr12:49,038,859, T>C on the plus strand (A>G on the coding strand, the complement: KMT2D is on the minus strand). VCF-style: chr12-49038859-T-C. GRCh37 (hg19) VCF-style: chr12-49432642-T-C.
Other names: short protein forms M2833V.
Identifiers: ClinVar variation 3682712 (VCV003682712.3).